The following is an entry in ClinVar:

ClinVar aggregate classification (germline): Uncertain significance (1 of 4 stars; one submission).

Conditions:
Hyperphosphatasia with impaired intellectual development syndrome 2. Also called: Hyperphosphatasia with intellectual disability syndrome 2; GLYCOSYLPHOSPHATIDYLINOSITOL BIOSYNTHESIS DEFECT 6. Identifiers: Orphanet 247262, MedGen C3553637, MONDO:0013882, OMIM 614749.

Submission:

Neuberg Centre For Genomic Medicine, NCGM
Classification: Uncertain significance for Hyperphosphatasia with impaired intellectual development syndrome 2. Review status: criteria provided, single submitter. Criteria: ACMG Guidelines, 2015. Collection method: clinical testing. Allele origin: germline. Inheritance: Autosomal recessive inheritance. Affected: yes.
Comment: The missense c.1681T>A(p.Phe561Ile) variant in PIGO gene has not been reported previously as a pathogenic variant nor a benign variant, to our knowledge. The p.Phe561Ile variant is novel (not in any individuals) in both gnomAD Exomes and 1000 Genomes databases. This variant has not been reported to the ClinVar database. The amino acid change p.Phe561Ile in PIGO is predicted as conserved by GERP++ and PhyloP across 100 vertebrates. The amino acid Phe at position 561 is changed to a Ile changing protein sequence and it might alter its composition and physico-chemical properties. For these reasons, this variant has been classified as a Variant of Uncertain Significance (VUS).

NM_032634.4(PIGO):c.1681T>A (p.Phe561Ile)

Gene: PIGO (phosphatidylinositol glycan anchor biosynthesis class O; minus strand). Cytogenetic location: 9p13.3.
Variant type: single nucleotide variant.
Coding change: c.1681T>A on transcript NM_032634.4 (MANE Select); coding-DNA position 1681, T replaced by A.
Protein change: p.Phe561Ile; replaces phenylalanine 561 with isoleucine.
Molecular consequence: missense variant. On other transcripts: intron variant (2).
Genome position (GRCh38, 1-based): chr9:35,092,206, A>T on the plus strand (T>A on the coding strand, the complement: PIGO is on the minus strand). VCF-style: chr9-35092206-A-T. GRCh37 (hg19) VCF-style: chr9-35092203-A-T.
Other names: c.1344+337T>A (NM_152850.4, NM_001201484.2); short protein forms F561I.
Identifiers: ClinVar variation 2663964 (VCV002663964.1), dbSNP rs2490452961, ClinGen allele CA373321632.